The following is an entry in ClinVar:

ClinVar aggregate classification (germline): Uncertain significance. Review status: criteria provided, multiple submitters, no conflicts (2 of 4 stars). 2 submissions from 2 submitters: Uncertain significance (2). Last evaluated 2025-08-09.

gnomAD v4.1: 1 of 1,211,756 alleles (0.000083%); highest among the groups gnomAD compares: Non-Finnish European, 0.00011%; no homozygotes.

Submissions (2):

Ambry Genetics
Classification: Uncertain significance. Last evaluated: 2025-08-09. Review status: criteria provided, single submitter. Criteria: Ambry Variant Classification Scheme 2023. Collection method: clinical testing. Allele origin: germline.

Labcorp Genetics (formerly Invitae), Labcorp
Classification: Uncertain significance. Last evaluated: 2021-06-30. Review status: criteria provided, single submitter. Criteria: Invitae Variant Classification Sherloc (09022015). Collection method: clinical testing. Allele origin: germline.
Comment: In summary, the available evidence is currently insufficient to determine the role of this variant in disease. Therefore, it has been classified as a Variant of Uncertain Significance. Algorithms developed to predict the effect of missense changes on protein structure and function (SIFT, PolyPhen-2, Align-GVGD) all suggest that this variant is likely to be tolerated. This variant has not been reported in the literature in individuals affected with CCDC22-related conditions. This variant is not present in population databases (ExAC no frequency). This sequence change replaces proline with leucine at codon 163 of the CCDC22 protein (p.Pro163Leu). The proline residue is weakly conserved and there is a moderate physicochemical difference between proline and leucine.

NM_014008.5(CCDC22):c.488C>T (p.Pro163Leu)

Gene: CCDC22 (CCC complex scaffolding subunit CCDC22; plus strand). Cytogenetic location: Xp11.23.
Variant type: single nucleotide variant.
Coding change: c.488C>T on transcript NM_014008.5 (MANE Select); coding-DNA position 488, C replaced by T.
Protein change: p.Pro163Leu; replaces proline 163 with leucine.
Molecular consequence: missense variant.
Genome position (GRCh38, 1-based): chrX:49,243,137, C>T. VCF-style: chrX-49243137-C-T. GRCh37 (hg19) VCF-style: chrX-49099603-C-T.
Other names: c.488C>T (NM_014008.3); short protein forms P163L.
Identifiers: ClinVar variation 1463874 (VCV001463874.9), dbSNP rs2147937942, ClinGen allele CA412934519.